The following is an entry in ClinVar:

NM_000465.4(BARD1):c.216-20T>C

Gene: BARD1 (BRCA1 associated RING domain 1; minus strand). Cytogenetic location: 2q35.
Variant type: single nucleotide variant.
Coding change: c.216-20T>C on transcript NM_000465.4 (MANE Select); 20 bases into the intron before coding-DNA position 216, T replaced by C.
Molecular consequence: intron variant.
Genome position (GRCh38, 1-based): chr2:214,792,465, A>G on the plus strand (T>C on the coding strand, the complement: BARD1 is on the minus strand). VCF-style: chr2-214792465-A-G. GRCh37 (hg19) VCF-style: chr2-215657189-A-G.
Other names: c.158+16947T>C (NM_001282548.2); c.159-20T>C (NM_001282543.2); c.215+4596T>C (NM_001282545.2); c.216-20T>C (NM_001282549.2).
Identifiers: ClinVar variation 3378463 (VCV003378463.1).

ClinVar aggregate classification (germline): Likely benign (1 of 4 stars; one submission).

Conditions:
Familial cancer of breast. Also called: hereditary breast carcinoma; Hereditary breast cancer; BREAST CANCER, FAMILIAL. Identifiers: Orphanet 227535, MedGen C0346153, MONDO:0016419, OMIM 114480. Disease mechanism: loss of function.

Submission:

Myriad Genetics, Inc.
Classification: Likely benign for Familial cancer of breast. Last evaluated: 2024-07-18. Review status: criteria provided, single submitter. Criteria: Myriad Autosomal Dominant, Autosomal Recessive and X-Linked Classification Criteria (2023). Collection method: clinical testing. Allele origin: unknown.
Comment: This variant is considered likely benign. This variant is intronic and is not expected to impact mRNA splicing.